The following is an entry in ClinVar:

NM_013266.4(CTNNA3):c.1803G>T (p.Leu601Phe)

Gene: CTNNA3 (catenin alpha 3; minus strand). Cytogenetic location: 10q21.3.
Variant type: single nucleotide variant.
Coding change: c.1803G>T on transcript NM_013266.4 (MANE Select); coding-DNA position 1803, G replaced by T.
Protein change: p.Leu601Phe; replaces leucine 601 with phenylalanine.
Molecular consequence: missense variant.
Genome position (GRCh38, 1-based): chr10:66,280,551, C>A on the plus strand (G>T on the coding strand, the complement: CTNNA3 is on the minus strand). VCF-style: chr10-66280551-C-A. GRCh37 (hg19) VCF-style: chr10-68040309-C-A.
Other names: c.1803G>T, p.Leu601Phe (NM_001127384.3); short protein forms L601F.
Identifiers: ClinVar variation 3226228 (VCV003226228.3), dbSNP rs551887944, ClinGen allele CA377091020.
Genomic context (GRCh38, chr10:66,280,551, plus strand): 5'-TCTGATATCATGAATTGTATCATAGATCTTCTTTGAGATGTCCACAAATTGATTATCATC[C>A]AACACATTCAATGAGCTTTTGCTTAAGGCTTCCAAGGCAACATTCACTTGTGTTACAAAT-3'
Protein context (NP_037398.2, residues 591-611): EALSKSSLNV[Leu601Phe]DDNQFVDISK

ClinVar aggregate classification (germline): Conflicting classifications of pathogenicity. Review status: criteria provided, conflicting classifications (1 of 4 stars). 2 submissions from 2 submitters: Uncertain significance (1); Likely benign (1). Last evaluated 2024-09-25.

Conditions:
Arrhythmogenic right ventricular dysplasia 13. Also called: Arrhythmogenic right ventricular dysplasia, familial, 13; ARRHYTHMOGENIC RIGHT VENTRICULAR CARDIOMYOPATHY 13. Identifiers: MedGen C3810138, MONDO:0000908, OMIM 615616.

Submissions (2):

Labcorp Genetics (formerly Invitae), Labcorp
Classification: Uncertain significance for Arrhythmogenic right ventricular dysplasia 13. Last evaluated: 2024-09-25. Review status: criteria provided, single submitter. Criteria: Invitae Variant Classification Sherloc (09022015). Collection method: clinical testing. Allele origin: germline.
Comment: This sequence change replaces leucine, which is neutral and non-polar, with phenylalanine, which is neutral and non-polar, at codon 601 of the CTNNA3 protein (p.Leu601Phe). This variant is not present in population databases (gnomAD no frequency). This variant has not been reported in the literature in individuals affected with CTNNA3-related conditions. Invitae Evidence Modeling of protein sequence and biophysical properties (such as structural, functional, and spatial information, amino acid conservation, physicochemical variation, residue mobility, and thermodynamic stability) indicates that this missense variant is not expected to disrupt CTNNA3 protein function with a negative predictive value of 80%. In summary, the available evidence is currently insufficient to determine the role of this variant in disease. Therefore, it has been classified as a Variant of Uncertain Significance.

Ambry Genetics
Classification: Likely benign. Last evaluated: 2023-12-14. Review status: criteria provided, single submitter. Criteria: Ambry Variant Classification Scheme 2023. Collection method: clinical testing. Allele origin: germline.